The following is an entry in ClinVar:

ClinVar aggregate classification (germline): Pathogenic (1 of 4 stars; one submission).

Conditions:
COG1 congenital disorder of glycosylation (CDG2G). Also called: CONGENITAL DISORDER OF GLYCOSYLATION, TYPE IIg; CDG IIg; CDGII/COG1 CEREBROCOSTOMANDIBULAR-LIKE SYNDROME. Identifiers: Orphanet 263508, MedGen C2931011, MONDO:0012637, OMIM 611209.

Submission:

Labcorp Genetics (formerly Invitae), Labcorp
Classification: Pathogenic for COG1 congenital disorder of glycosylation. Last evaluated: 2025-04-19. Review status: criteria provided, single submitter. Criteria: Invitae Variant Classification Sherloc (09022015). Collection method: clinical testing. Allele origin: germline.
Comment: This sequence change creates a premature translational stop signal (p.Gln139*) in the COG1 gene. It is expected to result in an absent or disrupted protein product. Loss-of-function variants in COG1 are known to be pathogenic (PMID: 16537452). This variant is not present in population databases (gnomAD no frequency). This variant has not been reported in the literature in individuals affected with COG1-related conditions. For these reasons, this variant has been classified as Pathogenic.

Literature cited by the submitters: PubMed 16537452.

NM_018714.3(COG1):c.415C>T (p.Gln139Ter)

Gene: COG1 (component of oligomeric golgi complex 1; plus strand). Cytogenetic location: 17q25.1.
Variant type: single nucleotide variant.
Coding change: c.415C>T on transcript NM_018714.3 (MANE Select); coding-DNA position 415, C replaced by T.
Protein change: p.Gln139Ter; replaces glutamine 139 with a stop codon.
Molecular consequence: nonsense.
Genome position (GRCh38, 1-based): chr17:73,196,606, C>T. VCF-style: chr17-73196606-C-T. GRCh37 (hg19) VCF-style: chr17-71192745-C-T.
Other names: short protein forms Q139*.
Identifiers: ClinVar variation 4710995 (VCV004710995.1).